The following is an entry in ClinVar:

NM_144991.3(TSPEAR):c.323C>T (p.Thr108Met)

Gene: TSPEAR (thrombospondin type laminin G domain and EAR repeats; minus strand). Cytogenetic location: 21q22.3.
Variant type: single nucleotide variant.
Coding change: c.323C>T on transcript NM_144991.3 (MANE Select); coding-DNA position 323, C replaced by T.
Protein change: p.Thr108Met; replaces threonine 108 with methionine.
Molecular consequence: missense variant.
Genome position (GRCh38, 1-based): chr21:44,533,904, G>A on the plus strand (C>T on the coding strand, the complement: TSPEAR is on the minus strand). VCF-style: chr21-44533904-G-A. GRCh37 (hg19) VCF-style: chr21-45953787-G-A.
Other names: c.119C>T, p.Thr40Met (NM_001272037.2); short protein forms T108M, T40M.
Identifiers: ClinVar variation 1331175 (VCV001331175.3), dbSNP rs369406038, ClinGen allele CA10057056.

ClinVar aggregate classification (germline): Uncertain significance. Review status: criteria provided, multiple submitters, no conflicts (2 of 4 stars). 2 submissions from 2 submitters: Uncertain significance (2). Last evaluated 2024-03-11.

Conditions:
Inborn genetic diseases. Identifiers: MedGen C0950123, MeSH D030342.

Allele frequency attached by ClinVar (database versions not stated): gnomAD 0.00003; gnomAD exomes 0.00003 and 0.00005; ExAC 0.00004; TOPMed 0.00006; ESP Exome Variant Server 0.00008.
gnomAD v4.1: 42 of 1,611,352 alleles (0.0026%); highest among the groups gnomAD compares: East Asian, 0.0089%; no homozygotes.

Submissions (2):

Ambry Genetics
Classification: Uncertain significance for Inborn genetic diseases. Last evaluated: 2024-03-11. Review status: criteria provided, single submitter. Criteria: Ambry Variant Classification Scheme 2023. Collection method: clinical testing. Allele origin: germline.

GeneDx
Classification: Uncertain significance. Last evaluated: 2022-12-02. Review status: criteria provided, single submitter. Criteria: GeneDx Variant Classification Process June 2021. Collection method: clinical testing. Allele origin: germline. Affected: yes.
Comment: In silico analysis supports that this missense variant does not alter protein structure/function; Has not been previously published as pathogenic or benign to our knowledge